The following is an entry in ClinVar:

NM_033056.4(PCDH15):c.4592_4627dup (p.Ser1543Ter)

Gene: PCDH15 (protocadherin related 15; minus strand). Cytogenetic location: 10q21.1.
Variant type: Duplication.
Coding change: c.4592_4627dup on transcript NM_033056.4 (MANE Plus Clinical); coding-DNA positions 4592 to 4627, 36 bases duplicated.
Protein change: p.Ser1543Ter; replaces serine 1543 with a stop codon.
Molecular consequence: nonsense. On other transcripts: intron variant (8).
Genome position (GRCh38, 1-based): chr10:53,823,099-53,823,134, 36 bases duplicated. GRCh37 (hg19): chr10:55,582,859-55,582,894.
Other names: c.4583_4618dup, p.Ser1540Ter (NM_001142766.2); c.4472_4507dup, p.Ser1503Ter (NM_001142767.2); c.4532_4567dup, p.Ser1523Ter (NM_001142768.2); c.4523_4558dup, p.Ser1520Ter (NM_001142773.2); c.4526_4561dup, p.Ser1521Ter (NM_001354404.2); c.4367+4259_4367+4294dup (NM_001354420.2, NM_001354429.2); c.4368-2904_4368-2869dup (NM_001384140.1); c.4373+2002_4373+2037dup (NM_001142772.2, NM_001142770.3); and 6 more; short protein forms S1474*, S1503*, S1520*, S1521*, S1523*, S1540*, S1543*, S1545*.
Identifiers: ClinVar variation 1677530 (VCV001677530.6), dbSNP rs1442366836, ClinGen allele CA593783045.

ClinVar aggregate classification (germline): Pathogenic/Likely pathogenic. Review status: criteria provided, multiple submitters, no conflicts (2 of 4 stars). 2 submissions from 2 submitters: Pathogenic (1); Likely pathogenic (1). Last evaluated 2023-06-03.

Allele frequency attached by ClinVar (database versions not stated): gnomAD exomes 0.00002 and 0.00001.

Submissions (2):

Labcorp Genetics (formerly Invitae), Labcorp
Classification: Pathogenic. Last evaluated: 2023-06-03. Review status: criteria provided, single submitter. Criteria: Invitae Variant Classification Sherloc (09022015). Collection method: clinical testing. Allele origin: germline.
Comment: ClinVar contains an entry for this variant (Variation ID: 1677530). This variant disrupts a region of the PCDH15 protein in which other variant(s) (p.Gln1576*) have been determined to be pathogenic (PMID: 28281779). This suggests that this is a clinically significant region of the protein, and that variants that disrupt it are likely to be disease-causing. For these reasons, this variant has been classified as Pathogenic. This variant has not been reported in the literature in individuals affected with PCDH15-related conditions. This sequence change creates a premature translational stop signal (p.Ser1543*) in the PCDH15 gene. While this is not anticipated to result in nonsense mediated decay, it is expected to disrupt the last 413 amino acid(s) of the PCDH15 protein. This variant is present in population databases (no rsID available, gnomAD 0.003%).

AiLife Diagnostics
Classification: Likely pathogenic. Last evaluated: 2021-10-10. Review status: criteria provided, single submitter. Criteria: ACMG Guidelines, 2015. Collection method: clinical testing. Allele origin: germline. Affected: yes. Observed: 1 variant allele.

Literature cited by the submitters: PubMed 28281779 (cited by Labcorp Genetics (formerly Invitae), Labcorp).